The following is an entry in ClinVar:

ClinVar aggregate classification (germline): Uncertain significance. Review status: criteria provided, multiple submitters, no conflicts (2 of 4 stars). 2 submissions from 2 submitters: Uncertain significance (2). Last evaluated 2026-09-01.

Conditions:
Cowden syndrome (CS). Also called: Cowden's disease; Cowden's syndrome; Cowden disease. Identifiers: Orphanet 201, MedGen C0018553, MONDO:0016063. Disease mechanism: gain of function.

Allele frequency attached by ClinVar (database versions not stated): gnomAD 0.00001; TOPMed 0.00001; ExAC 0.00002; gnomAD exomes 0.00002 and 0.00004.

Submissions (2):

CeGaT Center for Human Genetics Tuebingen
Classification: Uncertain significance. Last evaluated: 2026-09-01. Review status: criteria provided, single submitter. Criteria: CeGaT Center For Human Genetics Tuebingen Variant Classification Criteria Version 2. Collection method: clinical testing. Allele origin: germline. Affected: yes. Observed: 2 variant alleles.

Labcorp Genetics (formerly Invitae), Labcorp
Classification: Uncertain significance for Cowden syndrome. Last evaluated: 2025-12-08. Review status: criteria provided, single submitter. Criteria: Invitae Variant Classification Sherloc (09022015). Collection method: clinical testing. Allele origin: germline.
Comment: This sequence change replaces proline, which is neutral and non-polar, with serine, which is neutral and polar, at codon 134 of the PIK3CA protein (p.Pro134Ser). This variant is present in population databases (rs750545881, gnomAD 0.03%). This variant has not been reported in the literature in individuals affected with PIK3CA-related conditions. ClinVar contains an entry for this variant (Variation ID: 456546). Invitae Evidence Modeling of protein sequence and biophysical properties (such as structural, functional, and spatial information, amino acid conservation, physicochemical variation, residue mobility, and thermodynamic stability) has been performed for this missense variant. However, the output from this modeling did not meet the statistical confidence thresholds required to predict the impact of this variant on PIK3CA protein function. In summary, the available evidence is currently insufficient to determine the role of this variant in disease. Therefore, it has been classified as a Variant of Uncertain Significance.

NM_006218.4(PIK3CA):c.400C>T (p.Pro134Ser)

Gene: PIK3CA (phosphatidylinositol-4,5-bisphosphate 3-kinase catalytic subunit alpha; plus strand). Cytogenetic location: 3q26.32.
Variant type: single nucleotide variant.
Coding change: c.400C>T on transcript NM_006218.4 (MANE Select); coding-DNA position 400, C replaced by T.
Protein change: p.Pro134Ser; replaces proline 134 with serine.
Molecular consequence: missense variant.
Genome position (GRCh38, 1-based): chr3:179,199,737, C>T. VCF-style: chr3-179199737-C-T. GRCh37 (hg19) VCF-style: chr3-178917525-C-T.
Other names: c.400C>T (LRG_310t1); short protein forms P134S.
Identifiers: ClinVar variation 456546 (VCV000456546.10), dbSNP rs750545881, ClinGen allele CA2710536.